The following is an entry in ClinVar:

ClinVar aggregate classification (germline): Uncertain significance (1 of 4 stars; one submission).

Conditions:
Congenital stationary night blindness 1E. Also called: Night blindness, congenital stationary (complete), 1E, autosomal recessive. Identifiers: Orphanet 215, MedGen C3281215, MONDO:0013807, OMIM 614565.

Submission:

Juno Genomics, Hangzhou Juno Genomics, Inc
Classification: Uncertain significance for Congenital stationary night blindness 1E. Review status: criteria provided, single submitter. Criteria: ACMG Guidelines, 2015. Collection method: clinical testing. Allele origin: germline. Affected: yes.
Comment: Absent from controls (or at extremely low frequency if recessive) in Genome Aggregation Database, Exome Sequencing Project, 1000 Genomes Project, or Exome Aggregation Consortium.;Multiple lines of computational evidence support a deleterious effect on the gene or gene product (conservation, evolutionary, splicing impact, etc).;For recessive disorders, detected in trans with a pathogenic variant.

NM_001004334.4(GPR179):c.955T>C (p.Cys319Arg)

Gene: GPR179 (G protein-coupled receptor 179; minus strand). Cytogenetic location: 17q12.
Variant type: single nucleotide variant.
Coding change: c.955T>C on transcript NM_001004334.4 (MANE Select); coding-DNA position 955, T replaced by C.
Protein change: p.Cys319Arg; replaces cysteine 319 with arginine.
Molecular consequence: missense variant.
Genome position (GRCh38, 1-based): chr17:38,337,669, A>G on the plus strand (T>C on the coding strand, the complement: GPR179 is on the minus strand). VCF-style: chr17-38337669-A-G. GRCh37 (hg19) VCF-style: chr17-36493552-A-G.
Other names: short protein forms C319R.
Identifiers: ClinVar variation 3382989 (VCV003382989.2).